The following is an entry in ClinVar:

ClinVar aggregate classification (germline): Uncertain significance (1 of 4 stars; one submission).

Allele frequency attached by ClinVar (database versions not stated): gnomAD exomes below 0.00001; TOPMed below 0.00001; gnomAD 0.00001.
gnomAD v4.1: 2 of 1,613,934 alleles (0.00012%); highest among the groups gnomAD compares: Non-Finnish European, 0.00017%; no homozygotes.

Submission:

Ambry Genetics
Classification: Uncertain significance. Last evaluated: 2021-08-08. Review status: criteria provided, single submitter. Criteria: Ambry Variant Classification Scheme 2023. Collection method: clinical testing. Allele origin: germline.
Comment: The p.R459G variant (also known as c.1375A>G), located in coding exon 13 of the PRKDC gene, results from an A to G substitution at nucleotide position 1375. The arginine at codon 459 is replaced by glycine, an amino acid with dissimilar properties. This amino acid position is conserved. In addition, this alteration is predicted to be tolerated by in silico analysis. Since supporting evidence is limited at this time, the clinical significance of this alteration remains unclear.

NM_006904.7(PRKDC):c.1375A>G (p.Arg459Gly)

Gene: PRKDC (protein kinase, DNA-activated, catalytic subunit; minus strand). Cytogenetic location: 8q11.21.
Variant type: single nucleotide variant.
Coding change: c.1375A>G on transcript NM_006904.7 (MANE Select); coding-DNA position 1375, A replaced by G.
Protein change: p.Arg459Gly; replaces arginine 459 with glycine.
Molecular consequence: missense variant.
Genome position (GRCh38, 1-based): chr8:47,935,804, T>C on the plus strand (A>G on the coding strand, the complement: PRKDC is on the minus strand). VCF-style: chr8-47935804-T-C. GRCh37 (hg19) VCF-style: chr8-48848364-T-C.
Other names: c.1375A>G, p.Arg459Gly (NM_001081640.2); short protein forms R459G.
Identifiers: ClinVar variation 1771129 (VCV001771129.2), dbSNP rs2090340134, ClinGen allele CA371165808.